The following is an entry in ClinVar:

NM_001130009.3(GEN1):c.176G>A (p.Arg59His)

Gene: GEN1 (GEN1 structure-specific endonuclease; plus strand). Cytogenetic location: 2p24.2.
Variant type: single nucleotide variant.
Coding change: c.176G>A on transcript NM_001130009.3 (MANE Select); coding-DNA position 176, G replaced by A.
Protein change: p.Arg59His; replaces arginine 59 with histidine.
Molecular consequence: missense variant.
Genome position (GRCh38, 1-based): chr2:17,761,410, G>A. VCF-style: chr2-17761410-G-A. GRCh37 (hg19) VCF-style: chr2-17942677-G-A.
Other names: c.176G>A, p.Arg59His (NM_182625.5); short protein forms R59H.
Identifiers: ClinVar variation 1398056 (VCV001398056.8), dbSNP rs781254552, ClinGen allele CA1540349.
Genomic context (GRCh38, chr2:17,761,410, plus strand): 5'-CTATCAGTGTTTGATGATTAATGTATTACTAATTTATATATTTCAGGAACTTATTTTTTC[G>A]TATCTCATATTTAACACAAATGGATGTAAAACTGGTATTTGTTATGGAAGGGGAACCACC-3'
Protein context (NP_001123481.3, residues 49-69): MKPHLRNLFF[Arg59His]ISYLTQMDVK

ClinVar aggregate classification (germline): Uncertain significance (1 of 4 stars; one submission).

Allele frequency attached by ClinVar (database versions not stated): gnomAD 0.00002; TOPMed 0.00002.

Submission:

Labcorp Genetics (formerly Invitae), Labcorp
Classification: Uncertain significance. Last evaluated: 2025-06-23. Review status: criteria provided, single submitter. Criteria: Invitae Variant Classification Sherloc (09022015). Collection method: clinical testing. Allele origin: germline.
Comment: This sequence change replaces arginine, which is basic and polar, with histidine, which is basic and polar, at codon 59 of the GEN1 protein (p.Arg59His). This variant is present in population databases (rs781254552, gnomAD 0.007%). This variant has not been reported in the literature in individuals affected with GEN1-related conditions. ClinVar contains an entry for this variant (Variation ID: 1398056). An algorithm developed to predict the effect of missense changes on protein structure and function (PolyPhen-2) suggests that this variant is likely to be disruptive. In summary, the available evidence is currently insufficient to determine the role of this variant in disease. Therefore, it has been classified as a Variant of Uncertain Significance.